The following is an entry in ClinVar:

NM_000152.5(GAA):c.858+13G>A

Gene: GAA (alpha glucosidase; plus strand). Cytogenetic location: 17q25.3.
Variant type: single nucleotide variant.
Coding change: c.858+13G>A on transcript NM_000152.5 (MANE Select); 13 bases into the intron after coding-DNA position 858, G replaced by A.
Molecular consequence: intron variant.
Genome position (GRCh38, 1-based): chr17:80,107,735, G>A. VCF-style: chr17-80107735-G-A. GRCh37 (hg19) VCF-style: chr17-78081534-G-A.
Other names: c.858+13G>A (NM_001406741.1, NM_001406742.1, NM_001079803.3 and 1 more transcripts).
Identifiers: ClinVar variation 4715498 (VCV004715498.1).

ClinVar aggregate classification (germline): Uncertain significance (1 of 4 stars; one submission).

Conditions:
Glycogen storage disease, type II (IOPD). Also called: Pompe Disease; POMPE DISEASE, INFANTILE-ONSET; GLYCOGEN STORAGE DISEASE II, INFANTILE-ONSET; ACID ALPHA-GLUCOSIDASE DEFICIENCY, INFANTILE-ONSET; GAA DEFICIENCY, INFANTILE-ONSET; ACID MALTASE DEFICIENCY, INFANTILE-ONSET. Identifiers: Orphanet 365, MedGen C0017921, MONDO:0009290, OMIM 232300.

Submission:

Labcorp Genetics (formerly Invitae), Labcorp
Classification: Uncertain significance for Glycogen storage disease, type II. Last evaluated: 2025-05-07. Review status: criteria provided, single submitter. Criteria: Invitae Variant Classification Sherloc (09022015). Collection method: clinical testing. Allele origin: germline.
Comment: This sequence change falls in intron 4 of the GAA gene. It does not directly change the encoded amino acid sequence of the GAA protein. This variant is not present in population databases (gnomAD no frequency). This variant has not been reported in the literature in individuals affected with GAA-related conditions. Algorithms developed to predict the effect of sequence changes on RNA splicing suggest that this variant may disrupt the consensus splice site. In summary, the available evidence is currently insufficient to determine the role of this variant in disease. Therefore, it has been classified as a Variant of Uncertain Significance.